The following is an entry in ClinVar:

ClinVar aggregate classification (germline): Uncertain significance. Review status: criteria provided, multiple submitters, no conflicts (2 of 4 stars). 2 submissions from 2 submitters: Uncertain significance (2). Last evaluated 2024-06-28.

Conditions:
Severe combined immunodeficiency due to IKK2 deficiency. Also called: Immunodeficiency 15; IMMUNODEFICIENCY 15B. Identifiers: Orphanet 397787, MedGen C4747743, MONDO:0014267, OMIM 615592.

Allele frequency attached by ClinVar (database versions not stated): gnomAD 0.00001; TOPMed 0.00002.
gnomAD v4.1: 19 of 1,614,140 alleles (0.0012%); highest among the groups gnomAD compares: East Asian, 0.018%; no homozygotes.

Submissions (2):

Labcorp Genetics (formerly Invitae), Labcorp
Classification: Uncertain significance for Severe combined immunodeficiency due to IKK2 deficiency. Last evaluated: 2024-06-28. Review status: criteria provided, single submitter. Criteria: Invitae Variant Classification Sherloc (09022015). Collection method: clinical testing. Allele origin: germline.
Comment: This sequence change replaces glutamine, which is neutral and polar, with arginine, which is basic and polar, at codon 369 of the IKBKB protein (p.Gln369Arg). This variant is present in population databases (rs56411242, gnomAD 0.03%). This missense change has been observed in individual(s) with autosomal recessive primary B cell defect (PMID: 36790564). ClinVar contains an entry for this variant (Variation ID: 653915). Advanced modeling of protein sequence and biophysical properties (such as structural, functional, and spatial information, amino acid conservation, physicochemical variation, residue mobility, and thermodynamic stability) performed at Invitae indicates that this missense variant is not expected to disrupt IKBKB protein function with a negative predictive value of 95%. In summary, the available evidence is currently insufficient to determine the role of this variant in disease. Therefore, it has been classified as a Variant of Uncertain Significance.

Breakthrough Genomics
Classification: Uncertain significance. Review status: criteria provided, single submitter. Criteria: ACMG Guidelines, 2015. Collection method: not provided. Allele origin: germline. Inheritance: Autosomal recessive inheritance. Affected: yes.

Literature cited by the submitters: PubMed 36790564 (cited by Labcorp Genetics (formerly Invitae), Labcorp).

NM_001556.3(IKBKB):c.1106A>G (p.Gln369Arg)

Gene: IKBKB (inhibitor of nuclear factor kappa B kinase subunit beta; plus strand). Cytogenetic location: 8p11.21.
Variant type: single nucleotide variant.
Coding change: c.1106A>G on transcript NM_001556.3 (MANE Select); coding-DNA position 1106, A replaced by G.
Protein change: p.Gln369Arg; replaces glutamine 369 with arginine.
Molecular consequence: missense variant. On other transcripts: non-coding transcript variant (3).
Genome position (GRCh38, 1-based): chr8:42,316,885, A>G. VCF-style: chr8-42316885-A-G. GRCh37 (hg19) VCF-style: chr8-42174403-A-G.
Other names: c.914A>G, p.Gln305Arg (NM_001190720.3); c.929A>G, p.Gln310Arg (NM_001242778.2); short protein forms Q310R, Q369R, Q305R.
Identifiers: ClinVar variation 653915 (VCV000653915.5), dbSNP rs56411242, ClinGen allele CA4731879.
Genomic context (GRCh38, chr8:42,316,885, plus strand): 5'-AGGACCAGGAGCTGCTGCAGGAAGCGGGCCTGGCGTTGATCCCCGATAAGCCTGCCACTC[A>G]GTGTATTTCAGACGGCAAGGTGAGCCCTGGCTTCGTACACACCATCCTGTTTACCTTGGC-3'
Protein context (NP_001547.1, residues 359-379): LALIPDKPAT[Gln369Arg]CISDGKLNEG